The following is an entry in ClinVar:

NM_000463.3(UGT1A1):c.182C>G (p.Ala61Gly)

Genes: UGT1A7 (UDP glucuronosyltransferase family 1 member A7; plus strand), UGT1A8 (UDP glucuronosyltransferase family 1 member A8; plus strand), UGT1A9 (UDP glucuronosyltransferase family 1 member A9; plus strand), UGT1A3 (UDP glucuronosyltransferase family 1 member A3; plus strand), UGT1A4 (UDP glucuronosyltransferase family 1 member A4; plus strand) and 5 more. Cytogenetic location: 2q37.1.
Variant type: single nucleotide variant.
Coding change: c.182C>G on transcript NM_000463.3 (MANE Select); coding-DNA position 182, C replaced by G.
Protein change: p.Ala61Gly; replaces alanine 61 with glycine.
Molecular consequence: missense variant. On other transcripts: intron variant (9).
Genome position (GRCh38, 1-based): chr2:233,760,469, C>G. VCF-style: chr2-233760469-C-G. GRCh37 (hg19) VCF-style: chr2-234669115-C-G.
Other names: c.856-6565C>G (NM_019076.5, NM_019075.4, NM_021027.3 and 1 more transcripts); c.61-6565C>G (NM_205862.3); c.862-6565C>G (NM_001072.4); c.868-6565C>G (NM_019078.2, NM_007120.3, NM_019093.4); short protein forms A61G.
Identifiers: ClinVar variation 1394579 (VCV001394579.9), dbSNP rs1273237448, ClinGen allele CA351066052.
Genomic context (GRCh38, chr2:233,760,469, plus strand): 5'-TGAGCATGCTTGGGGCCATCCAGCAGCTGCAGCAGAGGGGACATGAAATAGTTGTCCTAG[C>G]ACCTGACGCCTCGTTGTACATCAGAGACGGAGCATTTTACACCTTGAAGACGTACCCTGT-3'
Protein context (NP_000454.1, residues 51-71): QQRGHEIVVL[Ala61Gly]PDASLYIRDG

ClinVar aggregate classification (germline): Uncertain significance. Review status: criteria provided, multiple submitters, no conflicts (2 of 4 stars). 3 submissions from 3 submitters: Uncertain significance (2). 1 of the submissions does not count toward it. Last evaluated 2024-10-03.

Conditions:
BILIRUBIN, SERUM LEVEL OF, QUANTITATIVE TRAIT LOCUS 1 (BILIQTL1). Identifiers: MedGen C1866173, OMIM 601816.
Lucey-Driscoll syndrome (HBLRTFN). Also called: Transient familial neonatal hyperbilirubinemia. Identifiers: Orphanet 2312, MedGen C0270210, MONDO:0009383, OMIM 237900.
Crigler-Najjar syndrome, type II. Also called: HYPERBILIRUBINEMIA, CRIGLER-NAJJAR TYPE II; Crigler Najjar syndrome, type 2; Mutation in the UDP-glucuronosyl-transferase gene. Identifiers: Orphanet 205, Orphanet 79235, MedGen C2931132, MONDO:0011725, OMIM 606785.
Crigler-Najjar syndrome type 1. Also called: HYPERBILIRUBINEMIA, CRIGLER-NAJJAR TYPE I. Identifiers: Orphanet 79234, MedGen C0010324, MONDO:0021020, OMIM 218800.
Gilbert syndrome. Also called: Gilbert's syndrome; HYPERBILIRUBINEMIA, GILBERT TYPE; Gilbert Disease; HYPERBILIRUBINEMIA I; HYPERBILIRUBINEMIA, ARIAS TYPE. Identifiers: MedGen C0017551, MONDO:0007745, OMIM 143500.

Allele frequency attached by ClinVar (database versions not stated): gnomAD exomes below 0.00001; gnomAD 0.00001; TOPMed 0.00001.
gnomAD v4.1: 10 of 1,614,092 alleles (0.00062%); highest among the groups gnomAD compares: South Asian, 0.0022%; no homozygotes.

Submissions (3):

Labcorp Genetics (formerly Invitae), Labcorp
Classification: Uncertain significance. Last evaluated: 2024-10-03. Review status: criteria provided, single submitter. Criteria: Invitae Variant Classification Sherloc (09022015). Collection method: clinical testing. Allele origin: germline.
Comment: This sequence change replaces alanine, which is neutral and non-polar, with glycine, which is neutral and non-polar, at codon 61 of the UGT1A1 protein (p.Ala61Gly). This variant is present in population databases (no rsID available, gnomAD 0.0009%). This missense change has been observed in individual(s) with hyperbilirubinemia (PMID: 31858773, 35426266). ClinVar contains an entry for this variant (Variation ID: 1394579). Invitae Evidence Modeling of protein sequence and biophysical properties (such as structural, functional, and spatial information, amino acid conservation, physicochemical variation, residue mobility, and thermodynamic stability) indicates that this missense variant is not expected to disrupt UGT1A1 protein function with a negative predictive value of 80%. In summary, the available evidence is currently insufficient to determine the role of this variant in disease. Therefore, it has been classified as a Variant of Uncertain Significance.

Juno Genomics, Hangzhou Juno Genomics, Inc
Classification: Uncertain significance for BILIRUBIN, SERUM LEVEL OF, QUANTITATIVE TRAIT LOCUS 1; Gilbert syndrome; Crigler-Najjar syndrome type 1; Crigler-Najjar syndrome, type II; Lucey-Driscoll syndrome. Review status: criteria provided, single submitter. Criteria: ACMG Guidelines, 2015. Collection method: clinical testing. Allele origin: germline.
Comment: Absent from controls (or at extremely low frequency if recessive) in Genome Aggregation Database.;Multiple lines of computational evidence suggest no impact on gene or gene product.;For recessive disorders, detected in trans with a pathogenic variant.;Patient's phenotype or family history is highly specific for a disease with a single genetic etiology.

Department of Gastroenterology, Ruijin Hospital, Shanghai Jiao Tong University, School of Medicine
Classification: Likely pathogenic for Gilbert syndrome. Review status: no assertion criteria provided. Collection method: clinical testing. Allele origin: unknown. Affected: no. Not counted in ClinVar's aggregate classification.

Literature cited by the submitters: PubMed 31858773 (cited by Labcorp Genetics (formerly Invitae), Labcorp); PubMed 35426266 (cited by Labcorp Genetics (formerly Invitae), Labcorp).